The following is an entry in ClinVar:

ClinVar aggregate classification (germline): Conflicting classifications of pathogenicity. Review status: criteria provided, conflicting classifications (1 of 4 stars). 3 submissions from 3 submitters: Uncertain significance (2); Likely benign (1). Last evaluated 2025-06-18.

Conditions:
Hereditary cancer-predisposing syndrome. Also called: Neoplastic Syndromes, Hereditary; Tumor predisposition; Hereditary Cancer Syndrome; Hereditary neoplastic syndrome. Identifiers: Orphanet 140162, MedGen C0027672, MeSH D009386, MONDO:0015356.
Familial cancer of breast. Also called: BREAST CANCER, FAMILIAL; hereditary breast carcinoma; Hereditary breast cancer. Identifiers: Orphanet 227535, MedGen C0346153, MONDO:0016419, OMIM 114480. Disease mechanism: loss of function.

Allele frequency attached by ClinVar (database versions not stated): gnomAD exomes below 0.00001.
gnomAD v4.1: 1 of 1,614,054 alleles (0.000062%); highest among the groups gnomAD compares: East Asian, 0.0022%; no homozygotes.

Submissions (3):

Ambry Genetics
Classification: Likely benign for Hereditary cancer-predisposing syndrome. Last evaluated: 2025-06-18. Review status: criteria provided, single submitter. Criteria: Ambry Variant Classification Scheme 2023. Collection method: clinical testing. Allele origin: germline.

Labcorp Genetics (formerly Invitae), Labcorp
Classification: Uncertain significance for Familial cancer of breast. Last evaluated: 2024-10-15. Review status: criteria provided, single submitter. Criteria: Invitae Variant Classification Sherloc (09022015). Collection method: clinical testing. Allele origin: germline.
Comment: This sequence change replaces serine, which is neutral and polar, with threonine, which is neutral and polar, at codon 380 of the PALB2 protein (p.Ser380Thr). This variant is present in population databases (no rsID available, gnomAD 0.006%). This variant has not been reported in the literature in individuals affected with PALB2-related conditions. ClinVar contains an entry for this variant (Variation ID: 232632). Invitae Evidence Modeling of protein sequence and biophysical properties (such as structural, functional, and spatial information, amino acid conservation, physicochemical variation, residue mobility, and thermodynamic stability) has been performed for this missense variant. However, the output from this modeling did not meet the statistical confidence thresholds required to predict the impact of this variant on PALB2 protein function. In summary, the available evidence is currently insufficient to determine the role of this variant in disease. Therefore, it has been classified as a Variant of Uncertain Significance.

GeneDx
Classification: Uncertain significance. Last evaluated: 2015-03-19. Review status: criteria provided, single submitter. Criteria: GeneDx Variant Classification (06012015). Collection method: clinical testing. Allele origin: germline. Affected: yes.
Comment: This variant is denoted PALB2 c.1139G>C at the cDNA level, p.Ser380Thr (S380T) at the protein level, and results in the change of a Serine to a Threonine (AGT>ACT). This variant has not, to our knowledge, been published in the literature as pathogenic or benign. PALB2 Ser380Thr was not observed in approximately 6,500 individuals of European and African American ancestry in the NHLBI Exome Sequencing Project, indicating it is not a common benign variant in these populations. Since Serine and Threonine share similar properties, this is considered a conservative amino acid substitution. PALB2 Ser380Thr occurs at a position that is not conserved across species and is located within the DNA-binding region (UniProt). In silico analyses are inconsistent regarding the effect this variant may have on protein structure and function. Based on currently available information, it is unclear whether PALB2 Ser380Thr is pathogenic or benign. We consider it to be a variant of uncertain significance.

NM_024675.4(PALB2):c.1139G>C (p.Ser380Thr)

Gene: PALB2 (partner and localizer of BRCA2; minus strand). Cytogenetic location: 16p12.2.
Variant type: single nucleotide variant.
Coding change: c.1139G>C on transcript NM_024675.4 (MANE Select); coding-DNA position 1139, G replaced by C.
Protein change: p.Ser380Thr; replaces serine 380 with threonine.
Molecular consequence: missense variant.
Genome position (GRCh38, 1-based): chr16:23,635,407, C>G on the plus strand (G>C on the coding strand, the complement: PALB2 is on the minus strand). VCF-style: chr16-23635407-C-G. GRCh37 (hg19) VCF-style: chr16-23646728-C-G.
Other names: short protein forms S380T.
Identifiers: ClinVar variation 232632 (VCV000232632.9), dbSNP rs876659887, ClinGen allele CA10580020.